The following is an entry in ClinVar:

NC_000012.12:g.121626747A>G

Genes: ORAI1 (ORAI calcium release-activated calcium modulator 1; plus strand), LOC130008987 (ATAC-STARR-seq lymphoblastoid silent region 4981; plus strand). Cytogenetic location: 12q24.31.
Variant type: single nucleotide variant.
Genome position: GRCh38 VCF-style: chr12-121626747-A-G. GRCh37 (hg19) VCF-style: chr12-122064652-A-G.
Other names: c.5A>G, p.His2Arg (NM_032790.4); short protein forms H2R.
Identifiers: ClinVar variation 1477712 (VCV001477712.6), dbSNP rs2136841279, ClinGen allele CA386980246.

ClinVar aggregate classification (germline): Uncertain significance (1 of 4 stars; one submission).

Conditions:
Myopathy, tubular aggregate, 2 (TAM2). Identifiers: MedGen C4014557, MONDO:0014383, OMIM 615883.
Combined immunodeficiency due to ORAI1 deficiency. Also called: IMMUNODEFICIENCY 9. Identifiers: Orphanet 169090, Orphanet 317428, MedGen C2748568, MONDO:0013007, OMIM 612782.

Submission:

Labcorp Genetics (formerly Invitae), Labcorp
Classification: Uncertain significance for Myopathy, tubular aggregate, 2; Combined immunodeficiency due to ORAI1 deficiency. Last evaluated: 2026-01-05. Review status: criteria provided, single submitter. Criteria: Invitae Variant Classification Sherloc (09022015). Collection method: clinical testing. Allele origin: germline.
Comment: This sequence change replaces histidine, which is basic and polar, with arginine, which is basic and polar, at codon 2 of the ORAI1 protein (p.His2Arg). The frequency data for this variant in the population databases is considered unreliable, as metrics indicate insufficient coverage at this position in the gnomAD database. This variant has not been reported in the literature in individuals affected with ORAI1-related conditions. ClinVar contains an entry for this variant (Variation ID: 1477712). Experimental studies and prediction algorithms are not available or were not evaluated, and the functional significance of this variant is currently unknown. In summary, the available evidence is currently insufficient to determine the role of this variant in disease. Therefore, it has been classified as a Variant of Uncertain Significance.